The following is an entry in ClinVar:

ClinVar aggregate classification (germline): Pathogenic (1 of 4 stars; one submission).

Conditions:
3-hydroxy-3-methylglutaryl-CoA synthase deficiency (HMGCS2D). Also called: HMG-CoA synthase-2 deficiency; HMGCS2 DEFICIENCY; MITOCHONDRIAL HMG-CoA SYNTHASE DEFICIENCY. Identifiers: Orphanet 35701, MedGen C2751532, MONDO:0011614, OMIM 605911.

Submission:

Labcorp Genetics (formerly Invitae), Labcorp
Classification: Pathogenic for mitochondrial 3-hydroxy-3-methylglutaryl-CoA synthase deficiency. Last evaluated: 2019-01-09. Review status: criteria provided, single submitter. Criteria: Invitae Variant Classification Sherloc (09022015). Collection method: clinical testing. Allele origin: germline.
Comment: This variant is a gross deletion of the genomic region encompassing exon 1 of the HMGCS2 gene, which includes the initiator codon. The 5' end of this event is unknown as it extends beyond the assayed region for this gene and therefore may encompass additional genes. The 3' boundary is likely confined to intron 1 of the HMGCS2 gene. This is expected to result in an absent or disrupted protein product. This variant has been observed in individual(s) with clinical features ofÂ¬â€ HMG-CoA synthase-2 deficiencyÂ¬â€ (Invitae). In at least one individual the data is consistent with the variant being in trans (on the opposite chromosome) from a pathogenic variant. Loss-of-function variants in HMGCS2 are known to be pathogenic (PMID: 20346956, 23751782, 25511235). For these reasons, this variant has been classified as Pathogenic.

NC_000001.11:g.(?_119768741)_(119768844_?)del

Genes: HMGCS2 (3-hydroxy-3-methylglutaryl-CoA synthase 2; minus strand), LOC122094910 (Sharpr-MPRA regulatory region 1341; plus strand). Cytogenetic location: 1p12.
Variant type: Deletion.
Identifiers: ClinVar variation 650721 (VCV000650721.1).